The following is an entry in ClinVar:

NM_025114.4(CEP290):c.898G>A (p.Asp300Asn)

Gene: CEP290 (centrosomal protein 290; minus strand). Cytogenetic location: 12q21.32.
Variant type: single nucleotide variant.
Coding change: c.898G>A on transcript NM_025114.4 (MANE Select); coding-DNA position 898, G replaced by A.
Protein change: p.Asp300Asn; replaces aspartic acid 300 with asparagine.
Molecular consequence: missense variant.
Genome position (GRCh38, 1-based): chr12:88,128,990, C>T on the plus strand (G>A on the coding strand, the complement: CEP290 is on the minus strand). VCF-style: chr12-88128990-C-T. GRCh37 (hg19) VCF-style: chr12-88522767-C-T.
Other names: short protein forms D300N.
Identifiers: ClinVar variation 2086049 (VCV002086049.1), dbSNP rs754420383, ClinGen allele CA6712676.

ClinVar aggregate classification (germline): Uncertain significance (1 of 4 stars; one submission).

Conditions:
Joubert syndrome. Also called: CEREBELLOPARENCHYMAL DISORDER IV; JOUBERT-BOLTSHAUSER SYNDROME; Familial aplasia of the vermis. Identifiers: Orphanet 475, MedGen C5979921, MONDO:0018772.
Nephronophthisis. Also called: Juvenile Nephronophthisis. Identifiers: Orphanet 655, MedGen C0687120, MONDO:0019005, HP:0000090.
Meckel-Gruber syndrome. Also called: DYSENCEPHALIA SPLANCHNOCYSTICA; GRUBER SYNDROME; Dysencephalia splachnocystica. Identifiers: Orphanet 564, MedGen C0265215, MONDO:0018921.

Allele frequency attached by ClinVar (database versions not stated): ExAC 0.00001.
gnomAD v4.1: 1 of 1,537,948 alleles (0.000065%); highest among the groups gnomAD compares: East Asian, 0.0025%; no homozygotes.

Submission:

Labcorp Genetics (formerly Invitae), Labcorp
Classification: Uncertain significance for Joubert syndrome; Meckel-Gruber syndrome; Nephronophthisis. Last evaluated: 2022-05-05. Review status: criteria provided, single submitter. Criteria: Invitae Variant Classification Sherloc (09022015). Collection method: clinical testing. Allele origin: germline.
Comment: This sequence change replaces aspartic acid, which is acidic and polar, with asparagine, which is neutral and polar, at codon 300 of the CEP290 protein (p.Asp300Asn). The frequency data for this variant in the population databases is considered unreliable, as metrics indicate poor data quality at this position in the gnomAD database. This variant has not been reported in the literature in individuals affected with CEP290-related conditions. Algorithms developed to predict the effect of missense changes on protein structure and function are either unavailable or do not agree on the potential impact of this missense change (SIFT: "Deleterious"; PolyPhen-2: "Probably Damaging"; Align-GVGD: "Class C0"). In summary, the available evidence is currently insufficient to determine the role of this variant in disease. Therefore, it has been classified as a Variant of Uncertain Significance.